The following is an entry in ClinVar:

NM_007118.4(TRIO):c.1428G>C (p.Glu476Asp)

Gene: TRIO (trio Rho guanine nucleotide exchange factor; plus strand). Cytogenetic location: 5p15.2.
Variant type: single nucleotide variant.
Coding change: c.1428G>C on transcript NM_007118.4 (MANE Select); coding-DNA position 1428, G replaced by C.
Protein change: p.Glu476Asp; replaces glutamic acid 476 with aspartic acid.
Molecular consequence: missense variant. On other transcripts: non-coding transcript variant (1).
Genome position (GRCh38, 1-based): chr5:14,304,520, G>C. VCF-style: chr5-14304520-G-C. GRCh37 (hg19) VCF-style: chr5-14304629-G-C.
Other names: short protein forms E476D.
Identifiers: ClinVar variation 2634979 (VCV002634979.1), dbSNP rs2532222581, ClinGen allele CA359220836.

ClinVar aggregate classification (germline): Uncertain significance (1 of 4 stars; one submission).

Conditions:
TRIO-related disorder. Also called: TRIO-related condition; TRIO-related disorders.

gnomAD v4.1: 3 of 1,614,156 alleles (0.00019%); highest among the groups gnomAD compares: Non-Finnish European, 0.00025%; no homozygotes.

Submission:

PreventionGenetics, part of Exact Sciences
Classification: Uncertain significance for TRIO-related condition. Last evaluated: 2023-10-10. Review status: criteria provided, single submitter. Criteria: ACMG Guidelines, 2015. Collection method: clinical testing. Allele origin: germline.
Comment: The TRIO c.1428G>C variant is predicted to result in the amino acid substitution p.Glu476Asp. To our knowledge, this variant has not been reported in the literature or in a large population database, indicating this variant is rare. At this time, the clinical significance of this variant is uncertain due to the absence of conclusive functional and genetic evidence.